The following is an entry in ClinVar:

NM_181332.3(NLGN4X):c.177A>C (p.Arg59Ser)

Gene: NLGN4X (neuroligin 4 X-linked; minus strand). Cytogenetic location: Xp22.31.
Variant type: single nucleotide variant.
Coding change: c.177A>C on transcript NM_181332.3 (MANE Select); coding-DNA position 177, A replaced by C.
Protein change: p.Arg59Ser; replaces arginine 59 with serine.
Molecular consequence: missense variant.
Genome position (GRCh38, 1-based): chrX:6,151,290, T>G on the plus strand (A>C on the coding strand, the complement: NLGN4X is on the minus strand). VCF-style: chrX-6151290-T-G. GRCh37 (hg19) VCF-style: chrX-6069331-T-G.
Other names: c.177A>C, p.Arg59Ser (NM_001282145.2, NM_001282146.2, NM_020742.4); short protein forms R59S.
Identifiers: ClinVar variation 1696969 (VCV001696969.2), dbSNP rs2147702376, ClinGen allele CA412015302.

ClinVar aggregate classification (germline): Uncertain significance (1 of 4 stars; one submission).

Submission:

GeneDx
Classification: Uncertain significance. Last evaluated: 2022-01-13. Review status: criteria provided, single submitter. Criteria: GeneDx Variant Classification Process June 2021. Collection method: clinical testing. Allele origin: germline. Affected: yes.
Comment: Not observed at significant frequency in large population cohorts (gnomAD); In silico analysis supports that this missense variant has a deleterious effect on protein structure/function; Has not been previously published as pathogenic or benign to our knowledge